The following is an entry in ClinVar:

ClinVar aggregate classification (germline): Benign. Review status: criteria provided, multiple submitters, no conflicts (2 of 4 stars). 13 submissions from 13 submitters: Benign (10). 3 of the submissions do not count toward it. Last evaluated 2026-02-04.

Conditions:
Microcephaly 5, primary, autosomal recessive (MCPH5). Also called: ASPM Primary Microcephaly. Identifiers: Orphanet 2512, MedGen C1837501, MONDO:0012106, OMIM 608716.

Allele frequency attached by ClinVar (database versions not stated): 1000 Genomes Project 30x 0.21002; 1000 Genomes Project 0.21306; TOPMed 0.28391; gnomAD 0.30219 and 0.30222; ESP Exome Variant Server 0.32134; gnomAD exomes 0.33539 and 0.39860; ExAC 0.34078.
gnomAD v4.1: 626,782 of 1,612,890 alleles (39%); highest among the groups gnomAD compares: Non-Finnish European, 43%; 129,758 homozygotes.

Submissions (13):

Labcorp Genetics (formerly Invitae), Labcorp
Classification: Benign. Last evaluated: 2026-02-04. Review status: criteria provided, single submitter. Criteria: Invitae Variant Classification Sherloc (09022015). Collection method: clinical testing. Allele origin: germline.

Blueprint Genetics
Classification: Benign. Last evaluated: 2024-11-26. Review status: criteria provided, single submitter. Criteria: ACMG Guidelines, 2015. Collection method: clinical testing. Allele origin: germline.

Genome-Nilou Lab
Classification: Benign for Microcephaly 5, primary, autosomal recessive. Last evaluated: 2021-07-14. Review status: criteria provided, single submitter. Criteria: ACMG Guidelines, 2015. Collection method: clinical testing. Allele origin: germline. Affected: no.

Illumina Laboratory Services, Illumina
Classification: Benign for Microcephaly 5, primary, autosomal recessive. Last evaluated: 2018-01-13. Review status: criteria provided, single submitter. Criteria: ICSL Variant Classification Criteria 13 December 2019. Collection method: clinical testing. Allele origin: germline.
Comment: This variant was observed in the ICSL laboratory as part of a predisposition screen in an ostensibly healthy population. It had not been previously curated by ICSL or reported in the Human Gene Mutation Database (HGMD: prior to June 1st, 2018), and was therefore a candidate for classification through an automated scoring system. Utilizing variant allele frequency, disease prevalence and penetrance estimates, and inheritance mode, an automated score was calculated to assess if this variant is too frequent to cause the disease. Based on the score and internal cut-off values, a variant classified as benign is not then subjected to further curation. The score for this variant resulted in a classification of benign for this disease.

Athena Diagnostics
Classification: Benign. Last evaluated: 2017-08-02. Review status: criteria provided, single submitter. Criteria: Athena Diagnostics Criteria. Collection method: clinical testing. Allele origin: germline.

Clinical Genetics DNA and cytogenetics Diagnostics Lab, Erasmus MC, Erasmus Medical Center
Classification: Benign for Microcephaly 5, primary, autosomal recessive. Last evaluated: 2017-06-28. Review status: criteria provided, single submitter. Criteria: ACGS Guidelines, 2013. Collection method: clinical testing. Allele origin: germline. Affected: yes. Study: VKGL Data-share Consensus.

GeneDx
Classification: Benign. Last evaluated: 2015-03-03. Review status: criteria provided, single submitter. Criteria: GeneDx Variant Classification Process June 2021. Collection method: clinical testing. Allele origin: germline. Affected: yes.

Genetic Services Laboratory, University of Chicago
Classification: Benign. Last evaluated: 2013-02-08. Review status: criteria provided, single submitter. Criteria: ACMG Guidelines, 2007. Collection method: clinical testing. Allele origin: germline. Inheritance: Autosomal recessive inheritance.

Breakthrough Genomics
Classification: Benign. Review status: criteria provided, single submitter. Criteria: ACMG Guidelines, 2015. Collection method: not provided. Allele origin: germline. Inheritance: Autosomal recessive inheritance. Affected: yes.

PreventionGenetics, part of Exact Sciences
Classification: Benign. Review status: criteria provided, single submitter. Criteria: ACMG Guidelines, 2015. Collection method: clinical testing. Allele origin: germline.

Diagnostic Laboratory, Department of Genetics, University Medical Center Groningen
Classification: Benign for Microcephaly 5, primary, autosomal recessive. Review status: no assertion criteria provided. Collection method: clinical testing. Allele origin: germline. Affected: yes. Study: VKGL Data-share Consensus. Not counted in ClinVar's aggregate classification.

GeneReviews
No classification provided. Condition: Microcephaly 5, primary, autosomal recessive. Review status: no classification provided. Collection method: literature only. Allele origin: unknown. Not counted in ClinVar's aggregate classification.

Joint Genome Diagnostic Labs from Nijmegen and Maastricht, Radboudumc and MUMC+
Classification: Benign. Review status: no assertion criteria provided. Collection method: clinical testing. Allele origin: germline. Affected: yes. Study: VKGL Data-share Consensus. Not counted in ClinVar's aggregate classification.

Literature cited by the submitters: PubMed 20301772 (cited by GeneReviews); NCBI Bookshelf NBK9587 (cited by GeneReviews).

NM_018136.5(ASPM):c.5961A>G (p.Gln1987=)

Gene: ASPM (assembly factor for spindle microtubules; minus strand). Cytogenetic location: 1q31.3.
Variant type: single nucleotide variant.
Coding change: c.5961A>G on transcript NM_018136.5 (MANE Select); coding-DNA position 5961, A replaced by G.
Protein change: p.Gln1987=; no amino-acid change (glutamine 1987 retained).
Molecular consequence: synonymous variant. On other transcripts: intron variant (1).
Genome position (GRCh38, 1-based): chr1:197,103,290, T>C on the plus strand (A>G on the coding strand, the complement: ASPM is on the minus strand). VCF-style: chr1-197103290-T-C. GRCh37 (hg19) VCF-style: chr1-197072420-T-C.
Other names: c.4066-7126A>G (NM_001206846.2).
Identifiers: ClinVar variation 21593 (VCV000021593.27), dbSNP rs41310925, ClinGen allele CA171226.
Genomic context (GRCh38, chr1:197,103,290, plus strand): 5'-GTAAGCCCTATAATACTTTTGAATCAGAAGAGCAGCTTTTTTCATGATTTTCCACTTCTT[T>C]TGTTGCACATGCATTCTATAGTATGACTGTATGATGATAGCACATTTATGTTGCCTTTGA-3'
Protein context (NP_060606.3, residues 1977-1997): IQSYYRMHVQ[Gln1987=]KKWKIMKKAA